The following is an entry in ClinVar:

NM_004991.4(MECOM):c.3041A>C (p.His1014Pro)

Gene: MECOM (MDS1 and EVI1 complex locus; minus strand). Cytogenetic location: 3q26.2.
Variant type: single nucleotide variant.
Coding change: c.3041A>C on transcript NM_004991.4 (MANE Select); coding-DNA position 3041, A replaced by C.
Protein change: p.His1014Pro; replaces histidine 1014 with proline.
Molecular consequence: missense variant.
Genome position (GRCh38, 1-based): chr3:169,093,081, T>G on the plus strand (A>C on the coding strand, the complement: MECOM is on the minus strand). VCF-style: chr3-169093081-T-G. GRCh37 (hg19) VCF-style: chr3-168810869-T-G.
Other names: c.2672A>C, p.His891Pro (NM_001105077.4); c.2477A>C, p.His826Pro (NM_001105078.4, NM_001205194.2, NM_001366469.2 and 1 more transcripts); c.2453A>C, p.His818Pro (NM_001163999.2, NM_001366470.2); c.2450A>C, p.His817Pro (NM_001164000.2, NM_001366471.2, NM_001366472.2); c.3014A>C, p.His1005Pro (NM_001366466.2); c.2480A>C, p.His827Pro (NM_001366467.2, NM_001366468.2); c.2042A>C, p.His681Pro (NM_001366473.2); c.1478A>C, p.His493Pro (NM_001366474.2); short protein forms H1014P, H817P, H1005P, H681P, H818P, H493P, H826P, H827P.
Identifiers: ClinVar variation 4763658 (VCV004763658.1).
Genomic context (GRCh38, chr3:169,093,081, plus strand): 5'-TCTGTGAAGTAAGCATCTTCTTTGTCATCCAGAATCGCACCTGTACTTTCCAGTTCAGAA[T>G]GAGGCGACGATGTTGCTGTACCTGTGTGGAGCAGAAAGCCTTTTATGACAAAGATTATTG-3'
Protein context (NP_004982.2, residues 1004-1024): NMSGTATSSP[His1014Pro]SELESTGAIL

ClinVar aggregate classification (germline): Uncertain significance (1 of 4 stars; one submission).

Submission:

Labcorp Genetics (formerly Invitae), Labcorp
Classification: Uncertain significance. Last evaluated: 2025-02-09. Review status: criteria provided, single submitter. Criteria: Invitae Variant Classification Sherloc (09022015). Collection method: clinical testing. Allele origin: germline.
Comment: This sequence change replaces histidine, which is basic and polar, with proline, which is neutral and non-polar, at codon 826 of the MECOM protein (p.His826Pro). This variant is not present in population databases (gnomAD no frequency). This variant has not been reported in the literature in individuals affected with MECOM-related conditions. An algorithm developed to predict the effect of missense changes on protein structure and function (PolyPhen-2) suggests that this variant is likely to be disruptive. In summary, the available evidence is currently insufficient to determine the role of this variant in disease. Therefore, it has been classified as a Variant of Uncertain Significance.